The following is an entry in ClinVar:

ClinVar aggregate classification (germline): Conflicting classifications of pathogenicity. Review status: criteria provided, conflicting classifications (1 of 4 stars). 2 submissions from 2 submitters: Uncertain significance (1); Likely benign (1). Last evaluated 2026-01-19.

Conditions:
Hypercholesterolemia, autosomal dominant, type B (FHCL2). Also called: APOB-Related Familial Hypercholesterolemia, Autosomal Dominant; Familial Hypercholesterolemia Type B; APOLIPOPROTEIN B-100, FAMILIAL DEFECTIVE; APOLIPOPROTEIN B-100, FAMILIAL LIGAND-DEFECTIVE; HYPERCHOLESTEROLEMIA, FAMILIAL, DUE TO LIGAND-DEFECTIVE APOLIPOPROTEIN B; Hyperlipoproteinemia Type IIb. Identifiers: MedGen C1704417, MONDO:0007751, OMIM 144010.
Familial hypobetalipoproteinemia 1. Also called: Hypobetalipoproteinemia, normotriglyceridemic; Acanthocytosis with hypobetalipoproteinemia; APOB-Related Familial Hypobetalipoproteinemia. Identifiers: MedGen C4551990, MONDO:0014252, OMIM 615558.

Allele frequency attached by ClinVar (database versions not stated): gnomAD 0.00002 and 0.00003; gnomAD exomes 0.00002; ExAC 0.00003; TOPMed 0.00003 and 0.00006; ESP Exome Variant Server 0.00015.

Submissions (2):

Labcorp Genetics (formerly Invitae), Labcorp
Classification: Likely benign for Familial hypobetalipoproteinemia 1; Hypercholesterolemia, autosomal dominant, type B. Last evaluated: 2026-01-19. Review status: criteria provided, single submitter. Criteria: Invitae Variant Classification Sherloc (09022015). Collection method: clinical testing. Allele origin: germline.

GeneDx
Classification: Uncertain significance. Last evaluated: 2025-04-11. Review status: criteria provided, single submitter. Criteria: GeneDx Variant Classification Process June 2021. Collection method: clinical testing. Allele origin: germline. Affected: yes.
Comment: Not observed at significant frequency in large population cohorts (gnomAD); In silico analysis supports that this missense variant has a deleterious effect on protein structure/function; Has not been previously published as pathogenic or benign to our knowledge; This variant is associated with the following publications: (PMID: 37417318)

NM_000384.3(APOB):c.5443C>T (p.Arg1815Trp)

Gene: APOB (apolipoprotein B; minus strand). Cytogenetic location: 2p24.1.
Variant type: single nucleotide variant.
Coding change: c.5443C>T on transcript NM_000384.3 (MANE Select); coding-DNA position 5443, C replaced by T.
Protein change: p.Arg1815Trp; replaces arginine 1815 with tryptophan.
Molecular consequence: missense variant.
Genome position (GRCh38, 1-based): chr2:21,011,425, G>A on the plus strand (C>T on the coding strand, the complement: APOB is on the minus strand). VCF-style: chr2-21011425-G-A. GRCh37 (hg19) VCF-style: chr2-21234297-G-A.
Other names: short protein forms R1815W.
Identifiers: ClinVar variation 2924040 (VCV002924040.4), dbSNP rs144341880, ClinGen allele CA062104.
Genomic context (GRCh38, chr2:21,011,425, plus strand): 5'-CATTATTTTGGTAGGCTCCTTTTAGGTTACCAGCCACATGCAGCTTCAGGGGTTCTAGCC[G>A]TAGTTTCCCATTGTTGGTGAGATCCAGAGCATTGTATTTCAGGTCACTGTTTAAAGTAGT-3'
Protein context (NP_000375.3, residues 1805-1825): ALDLTNNGKL[Arg1815Trp]LEPLKLHVAG